The following is an entry in ClinVar:

ClinVar aggregate classification (germline): Uncertain significance (1 of 4 stars; one submission).

Conditions:
Fetal anomalies with a likely genetic cause.

Submission:

Genetics Laboratory, Great Ormond Street Hospital NHS Foundation Trust, North Thames Genomic Laboratory Hub
Classification: Uncertain significance for Fetal anomalies with a likely genetic cause. Last evaluated: 2026-07-10. Review status: criteria provided, single submitter. Criteria: ACGS Best Practice Guidelines for Variant Classification in Rare Disease 2024 v1.2. Collection method: clinical testing. Allele origin: germline. Affected: yes.
Comment: PM2_moderate, PM4_moderate

NM_133444.3(ZNF526):c.2011T>G (p.Ter671Gly)

Gene: ZNF526 (zinc finger protein 526; plus strand). Cytogenetic location: 19q13.2.
Variant type: single nucleotide variant.
Coding change: c.2011T>G on transcript NM_133444.3 (MANE Select); coding-DNA position 2011, T replaced by G.
Protein change: p.Ter671Gly.
Molecular consequence: stop lost.
Genome position (GRCh38, 1-based): chr19:42,226,414, T>G. VCF-style: chr19-42226414-T-G. GRCh37 (hg19) VCF-style: chr19-42730566-T-G.
Other names: c.2011T>G, p.Ter671Gly (NM_001314033.3).
Identifiers: ClinVar variation 4888012 (VCV004888012.1).